The following is an entry in ClinVar:

NM_001042492.3(NF1):c.5276C>G (p.Ser1759Cys)

Gene: NF1 (neurofibromin 1; plus strand). Cytogenetic location: 17q11.2.
Variant type: single nucleotide variant.
Coding change: c.5276C>G on transcript NM_001042492.3 (MANE Select); coding-DNA position 5276, C replaced by G.
Protein change: p.Ser1759Cys; replaces serine 1759 with cysteine.
Molecular consequence: missense variant.
Genome position (GRCh38, 1-based): chr17:31,327,506, C>G. VCF-style: chr17-31327506-C-G. GRCh37 (hg19) VCF-style: chr17-29654524-C-G.
Other names: c.5213C>G, p.Ser1738Cys (NM_000267.4); short protein forms S1738C, S1759C.
Identifiers: ClinVar variation 3237823 (VCV003237823.2), dbSNP rs2151540787.

ClinVar aggregate classification (germline): Uncertain significance (1 of 4 stars; one submission).

Conditions:
Hereditary cancer-predisposing syndrome. Also called: Neoplastic Syndromes, Hereditary; Tumor predisposition; Hereditary neoplastic syndrome; Hereditary Cancer Syndrome. Identifiers: Orphanet 140162, MedGen C0027672, MeSH D009386, MONDO:0015356.
Cardiovascular phenotype. Identifiers: MedGen CN230736.

Submission:

Ambry Genetics
Classification: Uncertain significance for Cardiovascular phenotype; Hereditary cancer-predisposing syndrome. Last evaluated: 2025-06-12. Review status: criteria provided, single submitter. Criteria: Ambry Variant Classification Scheme 2023. Collection method: clinical testing. Allele origin: germline.
Comment: The p.S1738C variant (also known as c.5213C>G), located in coding exon 37 of the NF1 gene, results from a C to G substitution at nucleotide position 5213. The serine at codon 1738 is replaced by cysteine, an amino acid with dissimilar properties. This amino acid position is highly conserved in available vertebrate species. In addition, this alteration is predicted to be deleterious by in silico analysis. Based on the available evidence, the clinical significance of this variant remains unclear.